The following is an entry in ClinVar:

NM_001128164.2(ATXN1):c.302C>T (p.Thr101Met)

Gene: ATXN1 (ataxin 1; minus strand). Cytogenetic location: 6p22.3.
Variant type: single nucleotide variant.
Coding change: c.302C>T on transcript NM_001128164.2 (MANE Select); coding-DNA position 302, C replaced by T.
Protein change: p.Thr101Met; replaces threonine 101 with methionine.
Molecular consequence: missense variant. On other transcripts: synonymous variant (1).
Genome position (GRCh38, 1-based): chr6:16,328,009, G>A on the plus strand (C>T on the coding strand, the complement: ATXN1 is on the minus strand). VCF-style: chr6-16328009-G-A. GRCh37 (hg19) VCF-style: chr6-16328240-G-A.
Other names: c.302C>T, p.Thr101Met (NM_000332.4); c.273C>T, p.His91= (NM_001357857.2); short protein forms T101M.
Identifiers: ClinVar variation 3051650 (VCV003051650.2), dbSNP rs144411643, ClinGen allele CA3645666.
Genomic context (GRCh38, chr6:16,328,009, plus strand): 5'-GCGTACTGCACGGGGGACACCGGGGTCCCTGGCTGCGGGGTGGCGTACGCGGCAGGCAGC[G>A]TGGTGGCCACGGGGACAGACCTGGGAGCGCTGGGCGGGGAGTAGTCCAGCCCTGTGGACA-3'
Protein context (NP_001121636.1, residues 91-111): SAPRSVPVAT[Thr101Met]LPAAYATPQP

ClinVar aggregate classification (germline): Likely benign (0 of 4 stars; one submission).

Conditions:
ATXN1-related disorder. Also called: ATXN1-related condition.

Allele frequency attached by ClinVar (database versions not stated): ExAC 0.00021; 1000 Genomes Project 30x 0.00031; 1000 Genomes Project 0.00040; gnomAD 0.00056; TOPMed 0.00061; ESP Exome Variant Server 0.00115.
gnomAD v4.1: 203 of 1,613,666 alleles (0.013%); highest among the groups gnomAD compares: African/African-American, 0.18%; no homozygotes.

Submission:

PreventionGenetics, part of Exact Sciences
Classification: Likely benign for ATXN1-related condition. Last evaluated: 2022-05-27. Review status: no assertion criteria provided. Collection method: clinical testing. Allele origin: germline.
Comment: This variant is classified as likely benign based on ACMG/AMP sequence variant interpretation guidelines (Richards et al. 2015 PMID: 25741868, with internal and published modifications).